The following is an entry in ClinVar:

ClinVar aggregate classification (germline): Uncertain significance (1 of 4 stars; one submission).

Submission:

Labcorp Genetics (formerly Invitae), Labcorp
Classification: Uncertain significance. Last evaluated: 2025-04-17. Review status: criteria provided, single submitter. Criteria: Invitae Variant Classification Sherloc (09022015). Collection method: clinical testing. Allele origin: germline.
Comment: This sequence change replaces arginine, which is basic and polar, with serine, which is neutral and polar, at codon 268 of the GZF1 protein (p.Arg268Ser). This variant is present in population databases (rs373292988, gnomAD 0.007%). This variant has not been reported in the literature in individuals affected with GZF1-related conditions. An algorithm developed to predict the effect of missense changes on protein structure and function outputs the following: PolyPhen-2: "Benign". The serine amino acid residue is found in multiple mammalian species, which suggests that this missense change does not adversely affect protein function. In summary, the available evidence is currently insufficient to determine the role of this variant in disease. Therefore, it has been classified as a Variant of Uncertain Significance.

NM_022482.5(GZF1):c.804G>C (p.Arg268Ser)

Gene: GZF1 (GDNF inducible zinc finger protein 1; plus strand). Cytogenetic location: 20p11.21.
Variant type: single nucleotide variant.
Coding change: c.804G>C on transcript NM_022482.5 (MANE Select); coding-DNA position 804, G replaced by C.
Protein change: p.Arg268Ser; replaces arginine 268 with serine.
Molecular consequence: missense variant.
Genome position (GRCh38, 1-based): chr20:23,365,187, G>C. VCF-style: chr20-23365187-G-C. GRCh37 (hg19) VCF-style: chr20-23345824-G-C.
Other names: c.804G>C, p.Arg268Ser (NM_001317012.2, NM_001317019.1); short protein forms R268S.
Identifiers: ClinVar variation 4780382 (VCV004780382.1).